The following is an entry in ClinVar:

ClinVar aggregate classification (germline): Likely benign (1 of 4 stars; one submission).

Conditions:
NR1H4-related disorder. Also called: NR1H4-related condition.

gnomAD v4.1: 45 of 1,614,270 alleles (0.0028%); highest among the groups gnomAD compares: Non-Finnish European, 0.0034%; no homozygotes.

Submission:

PreventionGenetics, part of Exact Sciences
Classification: Likely benign for NR1H4-related condition. Last evaluated: 2025-06-01. Review status: criteria provided, single submitter. Criteria: ACMG Guidelines, 2015. Collection method: clinical testing. Allele origin: germline.
Comment: This variant is classified as likely benign based on ACMG/AMP sequence variant interpretation guidelines (Richards et al. 2015 PMID: 25741868, with internal and published modifications).

NM_001206979.2(NR1H4):c.378G>C (p.Leu126=)

Gene: NR1H4 (nuclear receptor subfamily 1 group H member 4; plus strand). Cytogenetic location: 12q23.1.
Variant type: single nucleotide variant.
Coding change: c.378G>C on transcript NM_001206979.2 (MANE Select); coding-DNA position 378, G replaced by C.
Protein change: p.Leu126=; no amino-acid change (leucine 126 retained).
Molecular consequence: synonymous variant. On other transcripts: non-coding transcript variant (1).
Genome position (GRCh38, 1-based): chr12:100,511,076, G>C. VCF-style: chr12-100511076-G-C. GRCh37 (hg19) VCF-style: chr12-100904854-G-C.
Other names: c.378G>C, p.Leu126= (NM_001206977.2, NM_001206978.2, NM_005123.4); c.408G>C, p.Leu136= (NM_001206992.2, NM_001206993.2).
Identifiers: ClinVar variation 4990254 (VCV004990254.1).